The following is an entry in ClinVar:

NM_016363.5(GP6):c.*61_*62del

Gene: GP6 (glycoprotein VI platelet; minus strand). Cytogenetic location: 19q13.42.
Variant type: Deletion.
Coding change: c.*61_*62del on transcript NM_016363.5 (MANE Select); 61 bases downstream of the stop codon through 62 bases downstream of the stop codon, 2 bases deleted (AA; older notation c.*61_*62delAA).
Molecular consequence: 3 prime UTR variant. On other transcripts: frameshift variant (1).
Genome position (GRCh38, 1-based): chr19:55,014,859-55,014,860, TT deleted on the plus strand (AA on the coding strand, the reverse complement: GP6 is on the minus strand); deleting any 2 consecutive bases within chr19:55,014,859-55,014,861 gives the same sequence; the c. name uses the placement nearest the transcript's 3' end. VCF-style (leftmost placement, unchanged base first): chr19-55014858-CTT-C. GRCh37 (hg19) VCF-style: chr19-55526226-CTT-C.
Other names: c.1085_1086del, p.Lys362fs (NM_001083899.2); c.*61_*62del (NM_001256017.2); short protein forms K362fs.
Identifiers: ClinVar variation 3679182 (VCV003679182.1).
Genomic context (GRCh38, chr19:55,014,858, plus strand): 5'-GGCCTCGTTTCCACAGCTGTAGCCTCTGCCCTCCTGCTTCCACGCTCCACACACGCCAGT[CTT>C]TGAGTCGCCTCCCATGCCATGATCCCTCCCTTGGATACGACCGTGCCTGGGGTTCAGCGG-3'

ClinVar aggregate classification (germline): Uncertain significance (1 of 4 stars; one submission).

Submission:

Labcorp Genetics (formerly Invitae), Labcorp
Classification: Uncertain significance. Last evaluated: 2024-05-26. Review status: criteria provided, single submitter. Criteria: Invitae Variant Classification Sherloc (09022015). Collection method: clinical testing. Allele origin: germline.
Comment: This sequence change creates a premature translational stop signal (p.Lys362Argfs*101) in the GP6 gene. While this is not anticipated to result in nonsense mediated decay, it is expected to disrupt the last 259 amino acid(s) of the GP6 protein. This variant is not present in population databases (gnomAD no frequency). This variant has not been reported in the literature in individuals affected with GP6-related conditions. In summary, the available evidence is currently insufficient to determine the role of this variant in disease. Therefore, it has been classified as a Variant of Uncertain Significance.